The following is an entry in ClinVar:

ClinVar aggregate classification (germline): Likely benign. Review status: criteria provided, multiple submitters, no conflicts (2 of 4 stars). 3 submissions from 3 submitters: Likely benign (2). 1 of the submissions does not count toward it. Last evaluated 2026-06-01.

Conditions:
MYO18B-related disorder. Also called: MYO18B-related condition.

Allele frequency attached by ClinVar (database versions not stated): gnomAD 0.00008 and 0.00009; ExAC 0.00009; TOPMed 0.00009; ESP Exome Variant Server 0.00016; 1000 Genomes Project 30x 0.00031; 1000 Genomes Project 0.00040.
gnomAD v4.1: 190 of 1,613,740 alleles (0.012%); highest among the groups gnomAD compares: Non-Finnish European, 0.015%; 1 homozygote.

Submissions (3):

CeGaT Center for Human Genetics Tuebingen
Classification: Likely benign. Last evaluated: 2026-06-01. Review status: criteria provided, single submitter. Criteria: CeGaT Center For Human Genetics Tuebingen Variant Classification Criteria Version 2. Collection method: clinical testing. Allele origin: germline. Affected: yes. Observed: 2 variant alleles.
Comment: MYO18B: BP4, BP7

Labcorp Genetics (formerly Invitae), Labcorp
Classification: Likely benign. Last evaluated: 2025-09-18. Review status: criteria provided, single submitter. Criteria: Invitae Variant Classification Sherloc (09022015). Collection method: clinical testing. Allele origin: germline.

PreventionGenetics, part of Exact Sciences
Classification: Likely benign for MYO18B-related condition. Last evaluated: 2021-05-21. Review status: no assertion criteria provided. Collection method: clinical testing. Allele origin: germline. Not counted in ClinVar's aggregate classification.
Comment: This variant is classified as likely benign based on ACMG/AMP sequence variant interpretation guidelines (Richards et al. 2015 PMID: 25741868, with internal and published modifications).

NM_032608.7(MYO18B):c.483C>T (p.Asp161=)

Gene: MYO18B (myosin XVIIIB; plus strand). Cytogenetic location: 22q12.1.
Variant type: single nucleotide variant.
Coding change: c.483C>T on transcript NM_032608.7 (MANE Select); coding-DNA position 483, C replaced by T.
Protein change: p.Asp161=; no amino-acid change (aspartic acid 161 retained).
Molecular consequence: synonymous variant.
Genome position (GRCh38, 1-based): chr22:25,768,399, C>T. VCF-style: chr22-25768399-C-T. GRCh37 (hg19) VCF-style: chr22-26164366-C-T.
Other names: c.483C>T, p.Asp161= (NM_001318245.2); c.483C>T (NM_032608.6).
Identifiers: ClinVar variation 1637861 (VCV001637861.23), dbSNP rs373482936, ClinGen allele CA10159600.